The following is an entry in ClinVar:

NM_000384.3(APOB):c.1044C>T (p.Phe348=)

Gene: APOB (apolipoprotein B; minus strand). Cytogenetic location: 2p24.1.
Variant type: single nucleotide variant.
Coding change: c.1044C>T on transcript NM_000384.3 (MANE Select); coding-DNA position 1044, C replaced by T.
Protein change: p.Phe348=; no amino-acid change (phenylalanine 348 retained).
Molecular consequence: synonymous variant.
Genome position (GRCh38, 1-based): chr2:21,033,379, G>A on the plus strand (C>T on the coding strand, the complement: APOB is on the minus strand). VCF-style: chr2-21033379-G-A. GRCh37 (hg19) VCF-style: chr2-21256251-G-A.
Identifiers: ClinVar variation 3392989 (VCV003392989.1).
Genomic context (GRCh38, chr2:21,033,379, plus strand): 5'-TGGCAAGAGAGATGTGACTGCTTCATCACTGAGGCCTCTCAGCTCAGTAACCAGCTTATT[G>A]AAGAGATTAGCTCTCTGGATATTTTGCTCAGAGATGGTTAGTTTTTTCAGTTCCTGGAGA-3'
Protein context (NP_000375.3, residues 338-358): SEQNIQRANL[Phe348=]NKLVTELRGL

ClinVar aggregate classification (germline): Likely benign (1 of 4 stars; one submission).

Conditions:
Familial hypercholesterolemia. Also called: Familial hypercholesterolaemia. Identifiers: MedGen C0020445, MONDO:0005439.

Submission:

GENinCode PLC
Classification: Likely benign for Familial hypercholesterolemia. Last evaluated: 2023-12-05. Review status: criteria provided, single submitter. Criteria: ACMG Guidelines, 2015. Collection method: clinical testing. Allele origin: germline.
Comment: This is a synonymous (silent) variant that is not predicted by SpliceAI to impact splicing. In addition, it occurs at a nucleotide that is not conserved. Therefore this variant has been classified as Likely Benign (BP4, BP7).